The following is an entry in ClinVar:

ClinVar aggregate classification (germline): Uncertain significance (1 of 4 stars; one submission).

Conditions:
Macrocephaly-developmental delay syndrome (MRT41). Also called: INTELLECTUAL DEVELOPMENTAL DISORDER, AUTOSOMAL RECESSIVE 41. Identifiers: Orphanet 397612, MedGen C3810225, MONDO:0014289, OMIM 615637.

Allele frequency attached by ClinVar (database versions not stated): gnomAD exomes below 0.00001 and 0.00001; ExAC 0.00002.
gnomAD v4.1: 12 of 1,612,870 alleles (0.00074%); highest among the groups gnomAD compares: African/African-American, 0.0067%; no homozygotes.

Submission:

Labcorp Genetics (formerly Invitae), Labcorp
Classification: Uncertain significance for Macrocephaly-developmental delay syndrome. Last evaluated: 2020-03-06. Review status: criteria provided, single submitter. Criteria: Invitae Variant Classification Sherloc (09022015). Collection method: clinical testing. Allele origin: germline.
Comment: This variant is present in population databases (rs760334759, ExAC 0.003%). In summary, the available evidence is currently insufficient to determine the role of this variant in disease. Therefore, it has been classified as a Variant of Uncertain Significance. Algorithms developed to predict the effect of missense changes on protein structure and function (SIFT, PolyPhen-2, Align-GVGD) all suggest that this variant is likely to be tolerated, but these predictions have not been confirmed by published functional studies and their clinical significance is uncertain. This variant has not been reported in the literature in individuals with KPTN-related conditions. This sequence change replaces alanine with aspartic acid at codon 431 of the KPTN protein (p.Ala431Asp). The alanine residue is weakly conserved and there is a moderate physicochemical difference between alanine and aspartic acid.

NM_007059.4(KPTN):c.1292C>A (p.Ala431Asp)

Gene: KPTN (kaptin, actin binding protein; minus strand). Cytogenetic location: 19q13.32.
Variant type: single nucleotide variant.
Coding change: c.1292C>A on transcript NM_007059.4 (MANE Select); coding-DNA position 1292, C replaced by A.
Protein change: p.Ala431Asp; replaces alanine 431 with aspartic acid.
Molecular consequence: missense variant. On other transcripts: non-coding transcript variant (1).
Genome position (GRCh38, 1-based): chr19:47,475,435, G>T on the plus strand (C>A on the coding strand, the complement: KPTN is on the minus strand). VCF-style: chr19-47475435-G-T. GRCh37 (hg19) VCF-style: chr19-47978692-G-T.
Other names: c.1124C>A, p.Ala375Asp (NM_001291296.2); short protein forms A375D, A431D.
Identifiers: ClinVar variation 1018762 (VCV001018762.9), dbSNP rs760334759, ClinGen allele CA9540146.